The following is an entry in ClinVar:

NM_001002814.3(RAB11FIP1):c.2574C>T (p.His858=)

Gene: RAB11FIP1 (RAB11 family interacting protein 1; minus strand). Cytogenetic location: 8p11.23.
Variant type: single nucleotide variant.
Coding change: c.2574C>T on transcript NM_001002814.3 (MANE Select); coding-DNA position 2574, C replaced by T.
Protein change: p.His858=; no amino-acid change (histidine 858 retained).
Molecular consequence: synonymous variant. On other transcripts: intron variant (1).
Genome position (GRCh38, 1-based): chr8:37,872,228, G>A on the plus strand (C>T on the coding strand, the complement: RAB11FIP1 is on the minus strand). VCF-style: chr8-37872228-G-A. GRCh37 (hg19) VCF-style: chr8-37729746-G-A.
Other names: c.1623-1700C>T (NM_025151.5).
Identifiers: ClinVar variation 782113 (VCV000782113.28), dbSNP rs17362412, ClinGen allele CA4713292.

ClinVar aggregate classification (germline): Benign/Likely benign. Review status: criteria provided, multiple submitters, no conflicts (2 of 4 stars). 3 submissions from 3 submitters: Benign (2); Likely benign (1). Last evaluated 2023-03-01.

Allele frequency attached by ClinVar (database versions not stated): 1000 Genomes Project 30x 0.00297; 1000 Genomes Project 0.00319; ExAC 0.00620; gnomAD 0.00627 and 0.00646; TOPMed 0.00710; ESP Exome Variant Server 0.00823.
gnomAD v4.1: 13,247 of 1,614,030 alleles (0.82%); highest among the groups gnomAD compares: Non-Finnish European, 0.98%; 63 homozygotes.

Submissions (3):

CeGaT Center for Human Genetics Tuebingen
Classification: Likely benign. Last evaluated: 2023-03-01. Review status: criteria provided, single submitter. Criteria: CeGaT Center For Human Genetics Tuebingen Variant Classification Criteria Version 2. Collection method: clinical testing. Allele origin: germline. Affected: yes. Observed: 1 variant allele.
Comment: RAB11FIP1: BP4, BP7, BS2

Labcorp Genetics (formerly Invitae), Labcorp
Classification: Benign. Last evaluated: 2018-02-02. Review status: criteria provided, single submitter. Criteria: Invitae Variant Classification Sherloc (09022015). Collection method: clinical testing. Allele origin: germline.

Breakthrough Genomics
Classification: Benign. Review status: criteria provided, single submitter. Criteria: ACMG Guidelines, 2015. Collection method: not provided. Allele origin: germline. Inheritance: Unknown mechanism. Affected: yes.